The following is an entry in ClinVar:

NM_000136.3(FANCC):c.841C>A (p.Leu281Met)

Genes: AOPEP (aminopeptidase O (putative); plus strand), FANCC (FA complementation group C; minus strand). Cytogenetic location: 9q22.32.
Variant type: single nucleotide variant.
Coding change: c.841C>A on transcript NM_000136.3 (MANE Select); coding-DNA position 841, C replaced by A.
Protein change: p.Leu281Met; replaces leucine 281 with methionine.
Molecular consequence: missense variant.
Genome position (GRCh38, 1-based): chr9:95,135,348, G>T on the plus strand (C>A on the coding strand, the complement: FANCC is on the minus strand). VCF-style: chr9-95135348-G-T. GRCh37 (hg19) VCF-style: chr9-97897630-G-T.
Other names: c.841C>A, p.Leu281Met (NM_001243743.2, NM_001243744.2); short protein forms L281M.
Identifiers: ClinVar variation 1763307 (VCV001763307.3), dbSNP rs2541397847, ClinGen allele CA374109173.

ClinVar aggregate classification (germline): Uncertain significance (1 of 4 stars; one submission).

Conditions:
Hereditary cancer-predisposing syndrome. Also called: Neoplastic Syndromes, Hereditary; Tumor predisposition; Hereditary Cancer Syndrome; Hereditary neoplastic syndrome. Identifiers: Orphanet 140162, MedGen C0027672, MeSH D009386, MONDO:0015356.

Allele frequency attached by ClinVar (database versions not stated): gnomAD exomes below 0.00001.
gnomAD v4.1: 1 of 1,613,800 alleles (0.000062%); highest among the groups gnomAD compares: Non-Finnish European, 0.000085%; no homozygotes.

Submission:

Ambry Genetics
Classification: Uncertain significance for Hereditary cancer-predisposing syndrome. Last evaluated: 2025-05-01. Review status: criteria provided, single submitter. Criteria: Ambry Variant Classification Scheme 2023. Collection method: clinical testing. Allele origin: germline.
Comment: The p.L281M variant (also known as c.841C>A), located in coding exon 7 of the FANCC gene, results from a C to A substitution at nucleotide position 841. The leucine at codon 281 is replaced by methionine, an amino acid with highly similar properties. This amino acid position is conserved. In addition, this alteration is predicted to be tolerated by in silico analysis. Since supporting evidence is limited at this time, the clinical significance of this alteration remains unclear.